The following is an entry in ClinVar:

NM_001040108.2(MLH3):c.2333T>G (p.Val778Gly)

Gene: MLH3 (mutL homolog 3; minus strand). Cytogenetic location: 14q24.3.
Variant type: single nucleotide variant.
Coding change: c.2333T>G on transcript NM_001040108.2 (MANE Select); coding-DNA position 2333, T replaced by G.
Protein change: p.Val778Gly; replaces valine 778 with glycine.
Molecular consequence: missense variant.
Genome position (GRCh38, 1-based): chr14:75,047,323, A>C on the plus strand (T>G on the coding strand, the complement: MLH3 is on the minus strand). VCF-style: chr14-75047323-A-C. GRCh37 (hg19) VCF-style: chr14-75514026-A-C.
Other names: c.2333T>G, p.Val778Gly (NM_014381.3); short protein forms V778G.
Identifiers: ClinVar variation 3295120 (VCV003295120.1).

ClinVar aggregate classification (germline): Uncertain significance (1 of 4 stars; one submission).

Submission:

Ambry Genetics
Classification: Uncertain significance. Last evaluated: 2024-04-26. Review status: criteria provided, single submitter. Criteria: Ambry Variant Classification Scheme 2023. Collection method: clinical testing. Allele origin: germline.
Comment: The p.V778G variant (also known as c.2333T>G), located in coding exon 1 of the MLH3 gene, results from a T to G substitution at nucleotide position 2333. The valine at codon 778 is replaced by glycine, an amino acid with dissimilar properties. This amino acid position is conserved. In addition, this alteration is predicted to be tolerated by in silico analysis. Based on the available evidence, the clinical significance of this variant remains unclear.